The following is an entry in ClinVar:

ClinVar aggregate classification (germline): Uncertain significance (1 of 4 stars; one submission).

gnomAD v4.1: 2 of 1,614,114 alleles (0.00012%); highest among the groups gnomAD compares: Non-Finnish European, 0.000085%; no homozygotes.

Submission:

Labcorp Genetics (formerly Invitae), Labcorp
Classification: Uncertain significance. Last evaluated: 2025-05-14. Review status: criteria provided, single submitter. Criteria: Invitae Variant Classification Sherloc (09022015). Collection method: clinical testing. Allele origin: germline.
Comment: This sequence change replaces aspartic acid, which is acidic and polar, with histidine, which is basic and polar, at codon 240 of the ELOVL4 protein (p.Asp240His). This variant is not present in population databases (gnomAD no frequency). This variant has not been reported in the literature in individuals affected with ELOVL4-related conditions. Invitae Evidence Modeling of protein sequence and biophysical properties (such as structural, functional, and spatial information, amino acid conservation, physicochemical variation, residue mobility, and thermodynamic stability) indicates that this missense variant is not expected to disrupt ELOVL4 protein function with a negative predictive value of 80%. In summary, the available evidence is currently insufficient to determine the role of this variant in disease. Therefore, it has been classified as a Variant of Uncertain Significance.

NM_022726.4(ELOVL4):c.718G>C (p.Asp240His)

Gene: ELOVL4 (ELOVL fatty acid elongase 4; minus strand). Cytogenetic location: 6q14.1.
Variant type: single nucleotide variant.
Coding change: c.718G>C on transcript NM_022726.4 (MANE Select); coding-DNA position 718, G replaced by C.
Protein change: p.Asp240His; replaces aspartic acid 240 with histidine.
Molecular consequence: missense variant.
Genome position (GRCh38, 1-based): chr6:79,916,835, C>G on the plus strand (G>C on the coding strand, the complement: ELOVL4 is on the minus strand). VCF-style: chr6-79916835-C-G. GRCh37 (hg19) VCF-style: chr6-80626552-C-G.
Other names: short protein forms D240H.
Identifiers: ClinVar variation 4746488 (VCV004746488.1).
Genomic context (GRCh38, chr6:79,916,835, plus strand): 5'-ATATGAAGCTGATTGCATAGGCAATTAGAGCCCAGTGCATCCATTTGGGGAAGGGGCAGT[C>G]AGTGTAAAGAGACAGTGCCGTGTGCCCAATGGTCACATGGAATTGAATCTGAAAAACAGA-3'
Protein context (NP_073563.1, residues 230-250): IGHTALSLYT[Asp240His]CPFPKWMHWA